The following is an entry in ClinVar:

ClinVar aggregate classification (germline): Uncertain significance (1 of 4 stars; one submission).

Conditions:
Cardiovascular phenotype. Identifiers: MedGen CN230736.

Submission:

Ambry Genetics
Classification: Uncertain significance for Cardiovascular phenotype. Last evaluated: 2022-08-16. Review status: criteria provided, single submitter. Criteria: Ambry Variant Classification Scheme 2023. Collection method: clinical testing. Allele origin: germline.
Comment: The p.K1140T variant (also known as c.3419A>C), located in coding exon 25 of the LAMA4 gene, results from an A to C substitution at nucleotide position 3419. The lysine at codon 1140 is replaced by threonine, an amino acid with similar properties. This amino acid position is conserved. In addition, this alteration is predicted to be deleterious by in silico analysis. Since supporting evidence is limited at this time, the clinical significance of this alteration remains unclear.

NM_001105206.3(LAMA4):c.3440A>C (p.Lys1147Thr)

Gene: LAMA4 (laminin subunit alpha 4; minus strand). Cytogenetic location: 6q21.
Variant type: single nucleotide variant.
Coding change: c.3440A>C on transcript NM_001105206.3 (MANE Select); coding-DNA position 3440, A replaced by C.
Protein change: p.Lys1147Thr; replaces lysine 1147 with threonine.
Molecular consequence: missense variant.
Genome position (GRCh38, 1-based): chr6:112,134,584, T>G on the plus strand (A>C on the coding strand, the complement: LAMA4 is on the minus strand). VCF-style: chr6-112134584-T-G. GRCh37 (hg19) VCF-style: chr6-112455786-T-G.
Other names: c.3419A>C, p.Lys1140Thr (NM_001105207.3, NM_002290.5); short protein forms K1147T, K1140T.
Identifiers: ClinVar variation 1731234 (VCV001731234.2), dbSNP rs2547008641, ClinGen allele CA365377169.
Genomic context (GRCh38, chr6:112,134,584, plus strand): 5'-TTCATCTTTTCATTATCCATGCTCTTGACATGCCTTCTGTCAACTACCAAGATCATTTTC[T>G]TATCATTGTGGTAAATGATTGAGATCTGGGAGAGATAATATATAGTAAGCCTTGATTAAC-3'
Protein context (NP_001098676.2, residues 1137-1157): HEISIIYHND[Lys1147Thr]KMILVVDRRH